The following is an entry in ClinVar:

ClinVar aggregate classification (germline): Uncertain significance (1 of 4 stars; one submission).

Submission:

Ambry Genetics
Classification: Uncertain significance. Last evaluated: 2023-09-08. Review status: criteria provided, single submitter. Criteria: Ambry Variant Classification Scheme 2023. Collection method: clinical testing. Allele origin: germline.
Comment: The c.1337_1338delTCinsCT variant, located in coding exon 7 of the GALNT12 gene, results from an in-frame deletion of TC and insertion of CT at nucleotide positions 1337 to 1338. This results in the substitution of the phenylalanine residue for a serine residue at codon 446, an amino acid with highly dissimilar properties. This amino acid position is highly conserved in available vertebrate species. In addition, this alteration is predicted to be neutral by in silico analysis (Choi Y et al. PLoS ONE. 2012; 7(10):e46688). The evidence for this gene-disease relationship is limited; therefore, the clinical significance of this alteration is unclear.

NM_024642.5(GALNT12):c.1337_1338delinsCT (p.Phe446Ser)

Gene: GALNT12 (polypeptide N-acetylgalactosaminyltransferase 12; plus strand). Cytogenetic location: 9q22.33.
Variant type: Indel.
Coding change: c.1337_1338delinsCT on transcript NM_024642.5 (MANE Select); coding-DNA positions 1337 to 1338, TC replaced by CT.
Protein change: p.Phe446Ser; replaces phenylalanine 446 with serine.
Molecular consequence: missense variant.
Genome position (GRCh38, 1-based): chr9:98,840,126-98,840,127, TC replaced by CT. VCF-style: chr9-98840126-TC-CT. GRCh37 (hg19) VCF-style: chr9-101602408-TC-CT.
Other names: short protein forms F446S.
Identifiers: ClinVar variation 2586472 (VCV002586472.2), dbSNP rs2490542137, ClinGen allele CA2582342005.